The following is an entry in ClinVar:

ClinVar aggregate classification (germline): Uncertain significance. Review status: criteria provided, multiple submitters, no conflicts (2 of 4 stars). 2 submissions from 2 submitters: Uncertain significance (2). Last evaluated 2024-08-04.

Conditions:
Inborn genetic diseases. Identifiers: MedGen C0950123, MeSH D030342.
Early-infantile DEE. Also called: Ohtahara syndrome; Early infantile epileptic encephalopathy with suppression bursts; Early infantile epileptic encephalopathy. Identifiers: Orphanet 1934, MedGen C0393706, MONDO:0800491.

Allele frequency attached by ClinVar (database versions not stated): gnomAD exomes below 0.00001 and 0.00001; gnomAD 0.00001; TOPMed 0.00001.
gnomAD v4.1: 6 of 1,614,090 alleles (0.00037%); highest among the groups gnomAD compares: Admixed American, 0.0067%; no homozygotes.

Submissions (2):

Ambry Genetics
Classification: Uncertain significance for Inborn genetic diseases. Last evaluated: 2024-08-04. Review status: criteria provided, single submitter. Criteria: Ambry Variant Classification Scheme 2023. Collection method: clinical testing. Allele origin: germline.

Labcorp Genetics (formerly Invitae), Labcorp
Classification: Uncertain significance for Early-infantile DEE. Last evaluated: 2024-04-12. Review status: criteria provided, single submitter. Criteria: Invitae Variant Classification Sherloc (09022015). Collection method: clinical testing. Allele origin: germline.
Comment: This sequence change replaces threonine, which is neutral and polar, with alanine, which is neutral and non-polar, at codon 330 of the SPTAN1 protein (p.Thr330Ala). This variant is present in population databases (no rsID available, gnomAD 0.0009%). This variant has not been reported in the literature in individuals affected with SPTAN1-related conditions. ClinVar contains an entry for this variant (Variation ID: 1007743). Algorithms developed to predict the effect of missense changes on protein structure and function output the following: SIFT: "Not Available"; PolyPhen-2: "Benign"; Align-GVGD: "Not Available". The alanine amino acid residue is found in multiple mammalian species, which suggests that this missense change does not adversely affect protein function. In summary, the available evidence is currently insufficient to determine the role of this variant in disease. Therefore, it has been classified as a Variant of Uncertain Significance.

NM_001130438.3(SPTAN1):c.988A>G (p.Thr330Ala)

Gene: SPTAN1 (spectrin alpha, non-erythrocytic 1; plus strand). Cytogenetic location: 9q34.11.
Variant type: single nucleotide variant.
Coding change: c.988A>G on transcript NM_001130438.3 (MANE Select); coding-DNA position 988, A replaced by G.
Protein change: p.Thr330Ala; replaces threonine 330 with alanine.
Molecular consequence: missense variant.
Genome position (GRCh38, 1-based): chr9:128,577,409, A>G. VCF-style: chr9-128577409-A-G. GRCh37 (hg19) VCF-style: chr9-131339688-A-G.
Other names: c.988A>G (NM_001130438.2); c.988A>G, p.Thr330Ala (NM_001195532.2, NM_001363759.2, NM_001363765.2 and 5 more transcripts); c.1024A>G, p.Thr342Ala (NM_001375312.2, NM_001375318.1); short protein forms T330A, T342A.
Identifiers: ClinVar variation 1007743 (VCV001007743.10), dbSNP rs924198534, ClinGen allele CA200375199.